The following is an entry in ClinVar:

NM_000268.4(NF2):c.1346A>G (p.Lys449Arg)

Gene: NF2 (NF2, moesin-ezrin-radixin like (MERLIN) tumor suppressor; plus strand). Cytogenetic location: 22q12.2.
Variant type: single nucleotide variant.
Coding change: c.1346A>G on transcript NM_000268.4 (MANE Select); coding-DNA position 1346, A replaced by G.
Protein change: p.Lys449Arg; replaces lysine 449 with arginine.
Molecular consequence: missense variant. On other transcripts: non-coding transcript variant (1), intron variant (1).
Genome position (GRCh38, 1-based): chr22:29,674,841, A>G. VCF-style: chr22-29674841-A-G. GRCh37 (hg19) VCF-style: chr22-30070830-A-G.
Other names: c.1232A>G, p.Lys411Arg (NM_001407053.1, NM_001407056.1); c.1223A>G, p.Lys408Arg (NM_001407054.1, NM_001407058.1, NM_181829.3); c.1220A>G, p.Lys407Arg (NM_001407055.1, NM_181828.3); c.1211A>G, p.Lys404Arg (NM_001407057.1, NM_001407059.1); c.1346A>G, p.Lys449Arg (NM_001407060.1, NM_001407066.1, NM_016418.5 and 2 more transcripts); c.1088A>G, p.Lys363Arg (NM_001407062.1); c.1097A>G, p.Lys366Arg (NM_001407063.1, NM_001407064.1, NM_181830.3 and 1 more transcripts); c.812A>G, p.Lys271Arg (NM_001407065.1); and 2 more; short protein forms K404R, K372R, K411R, K449R, K271R, K408R, K363R, K366R.
Identifiers: ClinVar variation 2810899 (VCV002810899.3), dbSNP rs2066911751, ClinGen allele CA411148821.

ClinVar aggregate classification (germline): Uncertain significance (1 of 4 stars; one submission).

Conditions:
Neurofibromatosis, type 2 (SWNV). Also called: BILATERAL ACOUSTIC NEUROFIBROMATOSIS; NF2-Related Schwannomatosis; SCHWANNOMATOSIS, VESTIBULAR. Identifiers: Orphanet 637, MedGen C0027832, MONDO:0007039, OMIM 101000. Disease mechanism: loss of function.

Allele frequency attached by ClinVar (database versions not stated): TOPMed below 0.00001.

Submission:

Labcorp Genetics (formerly Invitae), Labcorp
Classification: Uncertain significance for Neurofibromatosis, type 2. Last evaluated: 2025-04-09. Review status: criteria provided, single submitter. Criteria: Invitae Variant Classification Sherloc (09022015). Collection method: clinical testing. Allele origin: germline.
Comment: This sequence change replaces lysine, which is basic and polar, with arginine, which is basic and polar, at codon 449 of the NF2 protein (p.Lys449Arg). This variant is not present in population databases (gnomAD no frequency). This variant has not been reported in the literature in individuals affected with NF2-related conditions. ClinVar contains an entry for this variant (Variation ID: 2810899). Invitae Evidence Modeling of protein sequence and biophysical properties (such as structural, functional, and spatial information, amino acid conservation, physicochemical variation, residue mobility, and thermodynamic stability) indicates that this missense variant is not expected to disrupt NF2 protein function with a negative predictive value of 80%. In summary, the available evidence is currently insufficient to determine the role of this variant in disease. Therefore, it has been classified as a Variant of Uncertain Significance.